The following is an entry in ClinVar:

ClinVar aggregate classification (germline): Uncertain significance. Review status: criteria provided, multiple submitters, no conflicts (2 of 4 stars). 3 submissions from 3 submitters: Uncertain significance (3). Last evaluated 2025-04-15.

Conditions:
Inborn genetic diseases. Identifiers: MedGen C0950123, MeSH D030342.
Finnish type amyloidosis. Also called: Lattice corneal dystrophy associated with familial systemic amyloidosis; Meretoja's syndrome; Lattice dystrophy of the cornea with hereditary generalized amyloidosis; AMYLOIDOSIS, HEREDITARY SYSTEMIC 4, FINNISH TYPE; Amyloidosis, familial, Finnish type; Meretoja type amyloidosis. Identifiers: Orphanet 85448, MedGen C1622345, MONDO:0007097, OMIM 105120.

Submissions (3):

Labcorp Genetics (formerly Invitae), Labcorp
Classification: Uncertain significance. Last evaluated: 2025-04-15. Review status: criteria provided, single submitter. Criteria: Invitae Variant Classification Sherloc (09022015). Collection method: clinical testing. Allele origin: germline.
Comment: This variant, c.103_117del, results in the deletion of 5 amino acid(s) of the GSN protein (p.Ser35_Ala39del), but otherwise preserves the integrity of the reading frame. This variant is present in population databases (rs751499422, gnomAD 0.007%). This variant has not been reported in the literature in individuals affected with GSN-related conditions. ClinVar contains an entry for this variant (Variation ID: 1358098). Experimental studies and prediction algorithms are not available or were not evaluated, and the functional significance of this variant is currently unknown. In summary, the available evidence is currently insufficient to determine the role of this variant in disease. Therefore, it has been classified as a Variant of Uncertain Significance.

Fulgent Genetics
Classification: Uncertain significance for Finnish type amyloidosis. Last evaluated: 2022-03-13. Review status: criteria provided, single submitter. Criteria: ACMG Guidelines, 2015. Collection method: clinical testing. Allele origin: unknown.

Ambry Genetics
Classification: Uncertain significance for Inborn genetic diseases. Last evaluated: 2020-06-30. Review status: criteria provided, single submitter. Criteria: Ambry Variant Classification Scheme 2023. Collection method: clinical testing. Allele origin: germline.
Comment: The c.103_117del15 variant (also known as p.S35_A39del) is located in coding exon 1 of the GSN gene. This variant results from an in-frame TCCCAGGCGGGGGCG deletion at nucleotide positions 103 to 117. This results in the in-frame deletion of 5 residues from codons 35 to 39. These amino acid positions are not well conserved in available vertebrate species. In addition, this alteration is predicted to be neutral by in silico analysis (Choi Y et al. PLoS ONE. 2012; 7(10):e46688). Since supporting evidence is limited at this time, the clinical significance of this alteration remains unclear.

NM_198252.3(GSN):c.-9-1999_-9-1985del

Gene: GSN (gelsolin; plus strand). Cytogenetic location: 9q33.2.
Variant type: Deletion.
Coding change: c.-9-1999_-9-1985del on transcript NM_198252.3 (MANE Select); 1999 bases into the intron before 9 bases upstream of the start codon through 1985 bases into the intron before 9 bases upstream of the start codon, 15 bases deleted (TCCCAGGCGGGGGCG).
Molecular consequence: intron variant. On other transcripts: inframe deletion (1).
Genome position (GRCh38, 1-based): chr9:121,299,964-121,299,978, TCCCAGGCGGGGGCG deleted; deleting any 15 consecutive bases within chr9:121,299,957-121,299,978 gives the same sequence; the c. name uses the placement nearest the transcript's 3' end. VCF-style (leftmost placement, unchanged base first): chr9-121299956-GGGGGGCGTCCCAGGC-G. GRCh37 (hg19) VCF-style: chr9-124062234-GGGGGGCGTCCCAGGC-G.
Other names: c.103_117del, p.Ser35_Ala39del (NM_000177.5); c.-9-1999_-9-1985del (NM_001353054.1, NM_001353053.1, NM_001353060.2 and 5 more transcripts); c.-47-92_-47-78del (NM_001353064.2, NM_001353066.2, NM_001353072.2 and 8 more transcripts); c.-1-2007_-1-1993del (NM_001353058.2, NM_001353059.2, NM_001353056.2 and 1 more transcripts); c.-38-101_-38-87del (NM_001353073.2, NM_001353065.2, NM_001353068.2 and 2 more transcripts); c.100-1999_100-1985del (NM_001127663.2); c.-32-107_-32-93del (NM_001353070.2); c.-48-1960_-48-1946del (NM_001353055.2); and 3 more.
Identifiers: ClinVar variation 1358098 (VCV001358098.11), dbSNP rs751499422, ClinGen allele CA5220655.